The following is an entry in ClinVar:

NM_033026.6(PCLO):c.36_47del (p.Pro13_Leu16del)

Genes: PCLO (piccolo presynaptic cytomatrix protein; minus strand), LOC129998728 (ATAC-STARR-seq lymphoblastoid silent region 18336; plus strand). Cytogenetic location: 7q21.11.
Variant type: Deletion.
Coding change: c.36_47del on transcript NM_033026.6 (MANE Select); coding-DNA positions 36 to 47, 12 bases deleted (CCCCGAAGGGCT).
Protein change: p.Pro13_Leu16del.
Molecular consequence: inframe deletion.
Genome position (GRCh38, 1-based): chr7:83,162,546-83,162,557, AGCCCTTCGGGG deleted on the plus strand (CCCCGAAGGGCT on the coding strand, the reverse complement: PCLO is on the minus strand); deleting any 12 consecutive bases within chr7:83,162,546-83,162,565 gives the same sequence; the c. name uses the placement nearest the transcript's 3' end. VCF-style (leftmost placement, unchanged base first): chr7-83162545-CAGCCCTTCGGGG-C. GRCh37 (hg19) VCF-style: chr7-82791861-CAGCCCTTCGGGG-C.
Other names: c.36_47del, p.Pro13_Leu16del (NM_014510.3).
Identifiers: ClinVar variation 1417295 (VCV001417295.6), dbSNP rs2116714914, ClinGen allele CA2573142518.
Genomic context (GRCh38, chr7:83,162,545, plus strand): 5'-CGCGGTGTGAGAGGGGCTCCCCGCCCCGCTAGCTCCTCCTCCAGCCGCTGCGGCCGCCGC[CAGCCCTTCGGGG>C]AGCCCTTCCCCTTCCAAGCTCGCCTCGTTGCCCATGGCTCAGGGAGACTCGGGGCCGCCG-3'

ClinVar aggregate classification (germline): Uncertain significance (1 of 4 stars; one submission).

Submission:

Labcorp Genetics (formerly Invitae), Labcorp
Classification: Uncertain significance. Last evaluated: 2021-10-11. Review status: criteria provided, single submitter. Criteria: Invitae Variant Classification Sherloc (09022015). Collection method: clinical testing. Allele origin: germline.
Comment: In summary, the available evidence is currently insufficient to determine the role of this variant in disease. Therefore, it has been classified as a Variant of Uncertain Significance. Experimental studies and prediction algorithms are not available or were not evaluated, and the functional significance of this variant is currently unknown. This variant has not been reported in the literature in individuals affected with PCLO-related conditions. This variant is not present in population databases (ExAC no frequency). This variant, c.36_47del, results in the deletion of 4 amino acid(s) of the PCLO protein (p.Pro13_Leu16del), but otherwise preserves the integrity of the reading frame.